The following is an entry in ClinVar:

NM_014806.5(RUSC2):c.1030G>A (p.Gly344Arg)

Gene: RUSC2 (RUN and SH3 domain containing 2; plus strand). Cytogenetic location: 9p13.3.
Variant type: single nucleotide variant.
Coding change: c.1030G>A on transcript NM_014806.5 (MANE Select); coding-DNA position 1030, G replaced by A.
Protein change: p.Gly344Arg; replaces glycine 344 with arginine.
Molecular consequence: missense variant. On other transcripts: non-coding transcript variant (1), intron variant (1).
Genome position (GRCh38, 1-based): chr9:35,547,551, G>A. VCF-style: chr9-35547551-G-A. GRCh37 (hg19) VCF-style: chr9-35547548-G-A.
Other names: c.1030G>A, p.Gly344Arg (NM_001135999.2); c.-620-7509G>A (NM_001330740.2); short protein forms G344R.
Identifiers: ClinVar variation 1516862 (VCV001516862.8), dbSNP rs2132553164, ClinGen allele CA373330342.

ClinVar aggregate classification (germline): Uncertain significance (1 of 4 stars; one submission).

Allele frequency attached by ClinVar (database versions not stated): gnomAD exomes 0.00001.

Submission:

Labcorp Genetics (formerly Invitae), Labcorp
Classification: Uncertain significance. Last evaluated: 2022-08-23. Review status: criteria provided, single submitter. Criteria: Invitae Variant Classification Sherloc (09022015). Collection method: clinical testing. Allele origin: germline.
Comment: ClinVar contains an entry for this variant (Variation ID: 1516862). This variant has not been reported in the literature in individuals affected with RUSC2-related conditions. This variant is not present in population databases (gnomAD no frequency). This sequence change replaces glycine, which is neutral and non-polar, with arginine, which is basic and polar, at codon 344 of the RUSC2 protein (p.Gly344Arg). Algorithms developed to predict the effect of missense changes on protein structure and function (SIFT, PolyPhen-2, Align-GVGD) all suggest that this variant is likely to be tolerated. In summary, the available evidence is currently insufficient to determine the role of this variant in disease. Therefore, it has been classified as a Variant of Uncertain Significance.